The following is an entry in ClinVar:

NM_002878.4(RAD51D):c.655C>T (p.Gln219Ter)

Genes: RAD51L3-RFFL (RAD51L3-RFFL readthrough; minus strand), RAD51D (RAD51 paralog D; minus strand). Cytogenetic location: 17q12.
Variant type: single nucleotide variant.
Coding change: c.655C>T on transcript NM_002878.4 (MANE Select); coding-DNA position 655, C replaced by T.
Protein change: p.Gln219Ter; replaces glutamine 219 with a stop codon.
Molecular consequence: nonsense. On other transcripts: non-coding transcript variant (3).
Genome position (GRCh38, 1-based): chr17:35,103,466, G>A on the plus strand (C>T on the coding strand, the complement: RAD51D is on the minus strand). VCF-style: chr17-35103466-G-A. GRCh37 (hg19) VCF-style: chr17-33430485-G-A.
Other names: c.715C>T, p.Gln239Ter (NM_001142571.2); c.319C>T, p.Gln107Ter (NM_133629.3); short protein forms Q219*, Q107*, Q239*.
Identifiers: ClinVar variation 484763 (VCV000484763.17), dbSNP rs771007945, ClinGen allele CA8499397.

ClinVar aggregate classification (germline): Pathogenic/Likely pathogenic. Review status: criteria provided, multiple submitters, no conflicts (2 of 4 stars). 8 submissions from 8 submitters: Pathogenic (6); Likely pathogenic (1). 1 of the submissions does not count toward it. Last evaluated 2026-10-06.

Conditions:
Hereditary cancer-predisposing syndrome. Also called: Neoplastic Syndromes, Hereditary; Hereditary Cancer Syndrome; Hereditary neoplastic syndrome; Tumor predisposition. Identifiers: Orphanet 140162, MedGen C0027672, MeSH D009386, MONDO:0015356.
Hereditary breast ovarian cancer syndrome. Also called: Breast and ovarian cancer; Hereditary breast and ovarian cancer syndrome; Hereditary breast and ovarian cancer syndrome (HBOC); Hereditary breast and/or ovarian cancer syndrome; BRCA1- and BRCA2-Associated Hereditary Breast and Ovarian Cancer; Hereditary breast and ovarian cancer. Identifiers: Orphanet 145, MedGen C0677776, MeSH D061325, MONDO:0003582. Disease mechanism: loss of function.
Breast-ovarian cancer, familial, susceptibility to, 4. Identifiers: Orphanet 145, MedGen C3280345, MONDO:0013669, OMIM 614291.
Inherited breast cancer and ovarian cancer.

Allele frequency attached by ClinVar (database versions not stated): gnomAD exomes 0.00001; ExAC 0.00001.
gnomAD v4.1: 6 of 1,614,126 alleles (0.00037%); highest among the groups gnomAD compares: Non-Finnish European, 0.00051%; no homozygotes.

Submissions (8):

NHS Central & South Genomic Laboratory Hub
Classification: Pathogenic for Inherited breast cancer and ovarian cancer. Last evaluated: 2026-10-06. Review status: criteria provided, single submitter. Criteria: ACMG Guidelines, 2015. Collection method: clinical testing. Allele origin: germline. Affected: yes.

Department of Clinical Genetics, Copenhagen University Hospital, Rigshospitalet
Classification: Likely pathogenic for Hereditary cancer-predisposing syndrome. Last evaluated: 2025-02-04. Review status: criteria provided, single submitter. Criteria: ACMG Guidelines, 2015. Collection method: clinical testing. Allele origin: germline.
Comment: PVS1; PM2_SUP

Labcorp Genetics (formerly Invitae), Labcorp
Classification: Pathogenic for Breast-ovarian cancer, familial, susceptibility to, 4. Last evaluated: 2023-06-14. Review status: criteria provided, single submitter. Criteria: Invitae Variant Classification Sherloc (09022015). Collection method: clinical testing. Allele origin: germline.
Comment: This sequence change creates a premature translational stop signal (p.Gln219*) in the RAD51D gene. It is expected to result in an absent or disrupted protein product. Loss-of-function variants in RAD51D are known to be pathogenic (PMID: 21822267). This variant is present in population databases (rs771007945, gnomAD 0.002%). This premature translational stop signal has been observed in individual(s) with ovarian cancer (PMID: 34923718). ClinVar contains an entry for this variant (Variation ID: 484763). For these reasons, this variant has been classified as Pathogenic.

Myriad Genetics, Inc.
Classification: Pathogenic for Breast-ovarian cancer, familial, susceptibility to, 4. Last evaluated: 2023-04-06. Review status: criteria provided, single submitter. Criteria: Myriad Autosomal Dominant, Autosomal Recessive and X-Linked Classification Criteria (2023). Collection method: clinical testing. Allele origin: unknown.
Comment: This variant is considered pathogenic. This variant creates a termination codon and is predicted to result in premature protein truncation.

Women's Health and Genetics/Laboratory Corporation of America, LabCorp
Classification: Pathogenic for Hereditary breast ovarian cancer syndrome. Last evaluated: 2022-09-21. Review status: criteria provided, single submitter. Criteria: LabCorp Variant Classification Summary - May 2015. Collection method: clinical testing. Allele origin: germline.
Comment: Variant summary: RAD51D c.655C>T (p.Gln219X) results in a premature termination codon, predicted to cause a truncation of the encoded protein or absence of the protein due to nonsense mediated decay, which are commonly known mechanisms for disease. Truncations downstream of this position have been classified as pathogenic by our laboratory. The variant allele was found at a frequency of 8e-06 in 251422 control chromosomes. c.655C>T has been reported in the literature in at least one individual affected with Hereditary Breast And Ovarian Cancer Syndrome. To our knowledge, no experimental evidence demonstrating an impact on protein function has been reported. Three clinical diagnostic laboratories have submitted clinical-significance assessments for this variant to ClinVar after 2014 without evidence for independent evaluation. All laboratories classified the variant as pathogenic/likely pathogenic. Based on the evidence outlined above, the variant was classified as pathogenic.

Ambry Genetics
Classification: Pathogenic for Hereditary cancer-predisposing syndrome. Last evaluated: 2022-03-11. Review status: criteria provided, single submitter. Criteria: Ambry Variant Classification Scheme 2023. Collection method: clinical testing. Allele origin: germline.
Comment: The p.Q219* pathogenic mutation (also known as c.655C>T), located in coding exon 7 of the RAD51D gene, results from a C to T substitution at nucleotide position 655. This changes the amino acid from a glutamine to a stop codon within coding exon 7. In addition to the clinical data presented in the literature, this alteration is expected to result in loss of function by premature protein truncation or nonsense-mediated mRNA decay. As such, this alteration is interpreted as a disease-causing mutation.

Institute of Medical Genetics and Applied Genomics, University Hospital Tübingen
Classification: Pathogenic. Last evaluated: 2020-10-23. Review status: criteria provided, single submitter. Criteria: ACMG Guidelines, 2015. Collection method: clinical testing. Allele origin: germline. Inheritance: Unknown mechanism. Affected: yes.

Counsyl
Classification: Likely pathogenic for Breast-ovarian cancer, familial, susceptibility to, 4. Last evaluated: 2016-11-28. Review status: no assertion criteria provided. Collection method: clinical testing. Allele origin: unknown. Not counted in ClinVar's aggregate classification.

Literature cited by the submitters: PubMed 21822267 (cited by Labcorp Genetics (formerly Invitae), Labcorp); PubMed 34923718 (cited by Labcorp Genetics (formerly Invitae), Labcorp); PubMed 26261251 (cited by 3 submitters).